The following is an entry in ClinVar:

ClinVar aggregate classification (germline): Uncertain significance (1 of 4 stars; one submission).

Conditions:
ALG9 congenital disorder of glycosylation (CDG1L). Also called: CONGENITAL DISORDER OF GLYCOSYLATION, TYPE Il; ALG9-CDG; CDG Il. Identifiers: Orphanet 79328, MedGen C2931006, MONDO:0012117, OMIM 608776.

Submission:

Labcorp Genetics (formerly Invitae), Labcorp
Classification: Uncertain significance for ALG9 congenital disorder of glycosylation. Last evaluated: 2022-10-13. Review status: criteria provided, single submitter. Criteria: Invitae Variant Classification Sherloc (09022015). Collection method: clinical testing. Allele origin: germline.
Comment: In summary, the available evidence is currently insufficient to determine the role of this variant in disease. Therefore, it has been classified as a Variant of Uncertain Significance. Advanced modeling of protein sequence and biophysical properties (such as structural, functional, and spatial information, amino acid conservation, physicochemical variation, residue mobility, and thermodynamic stability) performed at Invitae indicates that this missense variant is not expected to disrupt ATP6V0A2 protein function. This variant has not been reported in the literature in individuals affected with ATP6V0A2-related conditions. This variant is not present in population databases (gnomAD no frequency). This sequence change replaces proline, which is neutral and non-polar, with threonine, which is neutral and polar, at codon 361 of the ATP6V0A2 protein (p.Pro361Thr).

NM_012463.4(ATP6V0A2):c.1081C>A (p.Pro361Thr)

Gene: ATP6V0A2 (ATPase H+ transporting V0 subunit a2; plus strand). Cytogenetic location: 12q24.31.
Variant type: single nucleotide variant.
Coding change: c.1081C>A on transcript NM_012463.4 (MANE Select); coding-DNA position 1081, C replaced by A.
Protein change: p.Pro361Thr; replaces proline 361 with threonine.
Molecular consequence: missense variant.
Genome position (GRCh38, 1-based): chr12:123,743,827, C>A. VCF-style: chr12-123743827-C-A. GRCh37 (hg19) VCF-style: chr12-124228374-C-A.
Other names: short protein forms P361T.
Identifiers: ClinVar variation 2110995 (VCV002110995.4), dbSNP rs2541863587, ClinGen allele CA387155410.
Genomic context (GRCh38, chr12:123,743,827, plus strand): 5'-TCCTTGTTTATGTGGAAGAGAGAGAGTGGTGCTACAATCCCCTCATTCATGAATATAATC[C>A]CCACAAAAGAAACACCCCCCACTCGGATCCGCACCAACAAATTCACCGAGGGATTTCAGA-3'
Protein context (NP_036595.2, residues 351-371): ATIPSFMNII[Pro361Thr]TKETPPTRIR